The following is an entry in ClinVar:

NM_000525.3(KCNJ11):c.1138_1143dup (p.Lys381_Phe382insProLys)

Gene: KCNJ11 (potassium inwardly rectifying channel subfamily J member 11; minus strand). Cytogenetic location: 11p15.1.
Variant type: Duplication.
Coding change: c.1138_1143dup on transcript NM_000525.3; coding-DNA positions 1138 to 1143, 6 bases duplicated (CCCAAG; older notation c.1138_1143dupCCCAAG).
Protein change: p.Lys381_Phe382insProLys.
Molecular consequence: inframe insertion (on NM_000525.4).
Genome position (GRCh38, 1-based): chr11:17,386,949-17,386,954, CTTGGG duplicated on the plus strand (CCCAAG on the coding strand, the reverse complement: KCNJ11 is on the minus strand); duplicating any 6 consecutive bases within chr11:17,386,949-17,386,959 gives the same sequence; the c. name uses the placement nearest the transcript's 3' end. VCF-style (leftmost placement, unchanged base first): chr11-17386948-A-ACTTGGG. GRCh37 (hg19) VCF-style: chr11-17408495-A-ACTTGGG.
Other names: c.1138_1143dup, p.Pro380_Lys381dup (NM_000525.4); c.877_882dup, p.Pro293_Lys294dup (NM_001166290.2, NM_001377296.1, NM_001377297.1).
Identifiers: ClinVar variation 211222 (VCV000211222.20), dbSNP rs1440128889, ClinGen allele CA209936.

ClinVar aggregate classification (germline): Uncertain significance. Review status: criteria provided, multiple submitters, no conflicts (2 of 4 stars). 6 submissions from 6 submitters: Uncertain significance (5). 1 of the submissions does not count toward it. Last evaluated 2025-08-01.

Conditions:
Hyperinsulinemic hypoglycemia, familial, 2. Also called: HYPERINSULINEMIC HYPOGLYCEMIA, PERSISTENT; HYPERINSULINISM, NEONATAL. Identifiers: Orphanet 276580, Orphanet 276603, MedGen C2931833, MONDO:0011153, OMIM 601820. Disease mechanism: loss of function.
Diabetes mellitus, transient neonatal, 3 (TNDM3). Identifiers: Orphanet 99886, MedGen C1864623, MONDO:0012522, OMIM 610582. Disease mechanism: loss of function.
Permanent neonatal diabetes mellitus 1. Also called: GCK-Related Permanent Neonatal Diabetes Mellitus. Identifiers: MedGen C5393570, MONDO:0100165, OMIM 606176.
Maturity-onset diabetes of the young (MODY). Also called: Maturity onset diabetes mellitus in young. Identifiers: Orphanet 552, MedGen C0342276, MONDO:0018911, HP:0004904.
Type 2 diabetes mellitus. Also called: Type II diabetes mellitus. Identifiers: MedGen C0011860, MeSH D003924, MONDO:0005148, OMIM 125853, HP:0005978.
Maturity-onset diabetes of the young type 13. Also called: MODY, TYPE 13. Identifiers: Orphanet 552, MedGen C4225365, MONDO:0014589, OMIM 616329.
Diabetes mellitus, permanent neonatal 2. Also called: KCNJ11-Related Permanent Neonatal Diabetes Mellitus. Identifiers: MedGen C5394296, MONDO:0030087, OMIM 618856.

Submissions (6):

CeGaT Center for Human Genetics Tuebingen
Classification: Uncertain significance. Last evaluated: 2025-08-01. Review status: criteria provided, single submitter. Criteria: CeGaT Center For Human Genetics Tuebingen Variant Classification Criteria Version 2. Collection method: clinical testing. Allele origin: germline. Affected: yes. Observed: 1 variant allele.
Comment: KCNJ11: PM4

Labcorp Genetics (formerly Invitae), Labcorp
Classification: Uncertain significance. Last evaluated: 2025-01-29. Review status: criteria provided, single submitter. Criteria: Invitae Variant Classification Sherloc (09022015). Collection method: clinical testing. Allele origin: germline.
Comment: This variant, c.1138_1143dup, results in the insertion of 2 amino acid(s) of the KCNJ11 protein (p.Pro380_Lys381dup), but otherwise preserves the integrity of the reading frame. This variant is present in population databases (rs775746898, gnomAD 0.01%). This variant has been observed in individual(s) with diabetes (PMID: 32027066). ClinVar contains an entry for this variant (Variation ID: 211222). Experimental studies and prediction algorithms are not available or were not evaluated, and the functional significance of this variant is currently unknown. In summary, the available evidence is currently insufficient to determine the role of this variant in disease. Therefore, it has been classified as a Variant of Uncertain Significance.

Fulgent Genetics
Classification: Uncertain significance for Type 2 diabetes mellitus; Hyperinsulinemic hypoglycemia, familial, 2; Diabetes mellitus, transient neonatal, 3; Maturity-onset diabetes of the young type 13; Diabetes mellitus, permanent neonatal 2. Last evaluated: 2024-01-25. Review status: criteria provided, single submitter. Criteria: ACMG Guidelines, 2015. Collection method: clinical testing. Allele origin: germline.

Genetic Services Laboratory, University of Chicago
Classification: Uncertain significance. Last evaluated: 2013-02-08. Review status: criteria provided, single submitter. Criteria: ACMG Guidelines, 2007. Collection method: clinical testing. Allele origin: germline.

Clinical Genomics, Uppaluri K&H Personalized Medicine Clinic
Classification: Uncertain significance for Maturity-onset diabetes of the young. Review status: criteria provided, single submitter. Criteria: K&H Uppaluri Personalized Medicine Clinic Variant Classification & Assertion Criteria. Collection method: research. Allele origin: somatic. Inheritance: Autosomal dominant inheritance.
Comment: Mutations in KCNJ11 gene can cause decreased production and secretion of insulin. This can lead to MODY which may be responsive to oral sulfonylureas. It is also associated with Neonatal Diabetes. However, no sufficient evidence is found to ascertain the role of rs1440128889 variant in MODY yet.

Counsyl
Classification: Uncertain significance for Hyperinsulinemic hypoglycemia, familial, 2; Permanent neonatal diabetes mellitus 1; Diabetes mellitus, transient neonatal, 3. Last evaluated: 2017-09-26. Review status: no assertion criteria provided. Collection method: clinical testing. Allele origin: unknown. Not counted in ClinVar's aggregate classification.

Literature cited by the submitters: PubMed 32027066 (cited by Labcorp Genetics (formerly Invitae), Labcorp); PubMed 26448950 (cited by Clinical Genomics, Uppaluri K&H Personalized Medicine Clinic); PubMed 15580558 (cited by Clinical Genomics, Uppaluri K&H Personalized Medicine Clinic); PubMed 15718250 (cited by Clinical Genomics, Uppaluri K&H Personalized Medicine Clinic); PubMed 32935446 (cited by Clinical Genomics, Uppaluri K&H Personalized Medicine Clinic); PubMed 22701567 (cited by Clinical Genomics, Uppaluri K&H Personalized Medicine Clinic).